The following is an entry in ClinVar:

ClinVar aggregate classification (germline): Uncertain significance (1 of 4 stars; one submission).

Conditions:
Hereditary cancer-predisposing syndrome. Also called: Neoplastic Syndromes, Hereditary; Tumor predisposition; Hereditary Cancer Syndrome; Hereditary neoplastic syndrome. Identifiers: Orphanet 140162, MedGen C0027672, MeSH D009386, MONDO:0015356.

Submission:

Ambry Genetics
Classification: Uncertain significance for Hereditary cancer-predisposing syndrome. Last evaluated: 2022-10-19. Review status: criteria provided, single submitter. Criteria: Ambry Variant Classification Scheme 2023. Collection method: clinical testing. Allele origin: germline.
Comment: The c.678C>A variant (also known as p.V226V), located in coding exon 3 of the TMEM127 gene, results from a C to A substitution at nucleotide position 678. This nucleotide substitution does not change the valine at codon 226. This nucleotide position is well conserved in available vertebrate species. In silico splice site analysis predicts that this alteration will result in the creation or strengthening of a novel splice donor site. RNA studies have demonstrated that this alteration results in an incomplete splice defect; the clinical impact of this abnormal splicing is unknown at this time (Ambry internal data). Since supporting evidence is limited at this time, the clinical significance of this alteration remains unclear.

NM_017849.4(TMEM127):c.678C>A (p.Val226=)

Gene: TMEM127 (transmembrane protein 127; minus strand). Cytogenetic location: 2q11.2.
Variant type: single nucleotide variant.
Coding change: c.678C>A on transcript NM_017849.4 (MANE Select); coding-DNA position 678, C replaced by A.
Protein change: p.Val226=; no amino-acid change (valine 226 retained).
Molecular consequence: synonymous variant.
Genome position (GRCh38, 1-based): chr2:96,253,847, G>T on the plus strand (C>A on the coding strand, the complement: TMEM127 is on the minus strand). VCF-style: chr2-96253847-G-T. GRCh37 (hg19) VCF-style: chr2-96919585-G-T.
Other names: c.678C>A, p.Val226= (NM_001193304.3); c.426C>A, p.Val142= (NM_001407282.1, NM_001407283.1).
Identifiers: ClinVar variation 1755420 (VCV001755420.2), dbSNP rs2104282809, ClinGen allele CA427807726.
Genomic context (GRCh38, chr2:96,253,847, plus strand): 5'-GAAGAGAGCCCAGGGCTGGCATTAGGGTGTGTAAGCAGGGGGTGGCTGGAACTGGTTGAT[G>T]ACCTCATATTCCGCCGGGTAGGGCTCGTTCTCTTCCATCTCTGAGAGCAGCTCCAGCGCC-3'
Protein context (NP_060319.1, residues 216-236): ENEPYPAEYE[Val226=]INQFQPPPAY